The following is an entry in ClinVar:

ClinVar aggregate classification (germline): Uncertain significance. Review status: criteria provided, multiple submitters, no conflicts (2 of 4 stars). 2 submissions from 2 submitters: Uncertain significance (2). Last evaluated 2025-09-30.

Conditions:
Susceptibility to respiratory infections associated with CD8alpha chain mutation (IMD116). Also called: Cd8 deficiency, familial; IMMUNODEFICIENCY 116. Identifiers: Orphanet 169085, MedGen C1837065, MONDO:0012161, OMIM 608957.

Allele frequency attached by ClinVar (database versions not stated): gnomAD 0.00001; ExAC 0.00003; gnomAD exomes 0.00003; 1000 Genomes Project 0.00020; 1000 Genomes Project 30x 0.00031.
gnomAD v4.1: 22 of 1,612,894 alleles (0.0014%); highest among the groups gnomAD compares: South Asian, 0.02%; no homozygotes.

Submissions (2):

Women's Health and Genetics/Laboratory Corporation of America, LabCorp
Classification: Uncertain significance. Last evaluated: 2025-09-30. Review status: criteria provided, single submitter. Criteria: LabCorp Variant Classification Summary - May 2015. Collection method: clinical testing. Allele origin: germline.
Comment: Variant summary: CD8A c.626-2A>T is located in a canonical splice-site and is predicted to affect mRNA splicing resulting in a significantly altered protein due to either exon skipping, shortening, or inclusion of intronic material. Variants that disrupt the consensus splice site are a relatively common cause of aberrant splicing, however current evidence is not sufficient to establish loss of function as a mechanism for disease. The variant allele was found at a frequency of 3.2e-05 in 250588 control chromosomes. The available data on variant occurrences in the general population are insufficient to allow any conclusion about variant significance. To our knowledge, no occurrence of c.626-2A>T in individuals affected with CD8A-related conditions and no experimental evidence demonstrating its impact on protein function have been reported. ClinVar contains an entry for this variant (Variation ID: 1405225). Based on the evidence outlined above, the variant was classified as uncertain significance.

Labcorp Genetics (formerly Invitae), Labcorp
Classification: Uncertain significance for Susceptibility to respiratory infections associated with CD8alpha chain mutation. Last evaluated: 2023-12-21. Review status: criteria provided, single submitter. Criteria: Invitae Variant Classification Sherloc (09022015). Collection method: clinical testing. Allele origin: germline.
Comment: This sequence change affects an acceptor splice site in intron 4 of the CD8A gene. It is expected to disrupt RNA splicing. Variants that disrupt the donor or acceptor splice site typically lead to a loss of protein function (PMID: 16199547), however the current clinical and genetic evidence is not sufficient to establish whether loss-of-function variants in CD8A cause disease. This variant is present in population databases (rs534544636, gnomAD 0.02%). This variant has not been reported in the literature in individuals affected with CD8A-related conditions. ClinVar contains an entry for this variant (Variation ID: 1405225). Algorithms developed to predict the effect of sequence changes on RNA splicing suggest that this variant may disrupt the consensus splice site. In summary, the available evidence is currently insufficient to determine the role of this variant in disease. Therefore, it has been classified as a Variant of Uncertain Significance.

Literature cited by the submitters: PubMed 16199547 (cited by Labcorp Genetics (formerly Invitae), Labcorp).

NM_001768.7(CD8A):c.626-2A>T

Genes: CD8A (CD8 subunit alpha; minus strand), LOC106699567 (CD8A intronic regulatory region; plus strand). Cytogenetic location: 2p11.2.
Variant type: single nucleotide variant.
Coding change: c.626-2A>T on transcript NM_001768.7 (MANE Select); the canonical splice acceptor site of the intron before coding-DNA position 626, A replaced by T.
Molecular consequence: splice acceptor variant.
Genome position (GRCh38, 1-based): chr2:86,788,562, T>A on the plus strand (A>T on the coding strand, the complement: CD8A is on the minus strand). VCF-style: chr2-86788562-T-A. GRCh37 (hg19) VCF-style: chr2-87015685-T-A.
Other names: c.626-2A>T (NM_001145873.1, NM_001382698.1); c.515-2A>T (NM_171827.4).
Identifiers: ClinVar variation 1405225 (VCV001405225.8), dbSNP rs534544636, ClinGen allele CA1751112.